The following is an entry in ClinVar:

NM_002473.6(MYH9):c.5592+7G>A

Gene: MYH9 (myosin heavy chain 9; minus strand). Cytogenetic location: 22q12.3.
Variant type: single nucleotide variant.
Coding change: c.5592+7G>A on transcript NM_002473.6 (MANE Select); 7 bases into the intron after coding-DNA position 5592, G replaced by A.
Molecular consequence: intron variant.
Genome position (GRCh38, 1-based): chr22:36,284,396, C>T on the plus strand (G>A on the coding strand, the complement: MYH9 is on the minus strand). VCF-style: chr22-36284396-C-T. GRCh37 (hg19) VCF-style: chr22-36680442-C-T.
Identifiers: ClinVar variation 2726143 (VCV002726143.3), dbSNP rs1439334555, ClinGen allele CA639392377.

ClinVar aggregate classification (germline): Uncertain significance (1 of 4 stars; one submission).

Allele frequency attached by ClinVar (database versions not stated): TOPMed below 0.00001; gnomAD 0.00001; gnomAD exomes 0.00003.
gnomAD v4.1: 38 of 1,611,650 alleles (0.0024%); highest among the groups gnomAD compares: Middle Eastern, 0.016%; no homozygotes.

Submission:

Labcorp Genetics (formerly Invitae), Labcorp
Classification: Uncertain significance. Last evaluated: 2022-12-01. Review status: criteria provided, single submitter. Criteria: Invitae Variant Classification Sherloc (09022015). Collection method: clinical testing. Allele origin: germline.
Comment: Algorithms developed to predict the effect of sequence changes on RNA splicing suggest that this variant may disrupt the consensus splice site. In summary, the available evidence is currently insufficient to determine the role of this variant in disease. Therefore, it has been classified as a Variant of Uncertain Significance. This variant has not been reported in the literature in individuals affected with MYH9-related conditions. This variant is present in population databases (no rsID available, gnomAD 0.004%). This sequence change falls in intron 39 of the MYH9 gene. It does not directly change the encoded amino acid sequence of the MYH9 protein.